The following is an entry in ClinVar:

NM_181882.3(PRX):c.1791G>C (p.Glu597Asp)

Gene: PRX (periaxin; minus strand). Cytogenetic location: 19q13.2.
Variant type: single nucleotide variant.
Coding change: c.1791G>C on transcript NM_181882.3 (MANE Select); coding-DNA position 1791, G replaced by C.
Protein change: p.Glu597Asp; replaces glutamic acid 597 with aspartic acid.
Molecular consequence: missense variant. On other transcripts: 3 prime UTR variant (1).
Genome position (GRCh38, 1-based): chr19:40,396,561, C>G on the plus strand (G>C on the coding strand, the complement: PRX is on the minus strand). VCF-style: chr19-40396561-C-G. GRCh37 (hg19) VCF-style: chr19-40902468-C-G.
Other names: c.2076G>C, p.Glu692Asp (NM_001411127.1); c.*1996G>C (NM_020956.2); short protein forms E597D, E692D.
Identifiers: ClinVar variation 4986422 (VCV004986422.1).

ClinVar aggregate classification (germline): Uncertain significance (1 of 4 stars; one submission).

Conditions:
PRX-related disorder. Also called: PRX-related condition; PRX-Related Disorders.

gnomAD v4.1: 7 of 1,613,770 alleles (0.00043%); highest among the groups gnomAD compares: African/African-American, 0.0094%; no homozygotes.

Submission:

PreventionGenetics, part of Exact Sciences
Classification: Uncertain significance for PRX-related condition. Last evaluated: 2026-06-17. Review status: criteria provided, single submitter. Criteria: ACMG Guidelines, 2015. Collection method: clinical testing. Allele origin: germline.
Comment: The PRX c.1791G>C variant is predicted to result in the amino acid substitution p.Glu597Asp. To our knowledge, this variant has not been reported in the literature. This variant is reported in 0.0063% of alleles in individuals of African descent in gnomAD. At this time, the clinical significance of this variant is uncertain due to the absence of conclusive functional and genetic evidence.